The following is an entry in ClinVar:

ClinVar aggregate classification (germline): Uncertain significance (1 of 4 stars; one submission).

Conditions:
Cardiovascular phenotype. Identifiers: MedGen CN230736.

Submission:

Ambry Genetics
Classification: Uncertain significance for Cardiovascular phenotype. Last evaluated: 2021-12-13. Review status: criteria provided, single submitter. Criteria: Ambry Variant Classification Scheme 2023. Collection method: clinical testing. Allele origin: germline.
Comment: The p.F1035I variant (also known as c.3103T>A), located in coding exon 23 of the LAMA4 gene, results from a T to A substitution at nucleotide position 3103. The phenylalanine at codon 1035 is replaced by isoleucine, an amino acid with highly similar properties. This amino acid position is conserved. In addition, this alteration is predicted to be tolerated by in silico analysis. Since supporting evidence is limited at this time, the clinical significance of this alteration remains unclear.

NM_001105206.3(LAMA4):c.3124T>A (p.Phe1042Ile)

Gene: LAMA4 (laminin subunit alpha 4; minus strand). Cytogenetic location: 6q21.
Variant type: single nucleotide variant.
Coding change: c.3124T>A on transcript NM_001105206.3 (MANE Select); coding-DNA position 3124, T replaced by A.
Protein change: p.Phe1042Ile; replaces phenylalanine 1042 with isoleucine.
Molecular consequence: missense variant.
Genome position (GRCh38, 1-based): chr6:112,139,278, A>T on the plus strand (T>A on the coding strand, the complement: LAMA4 is on the minus strand). VCF-style: chr6-112139278-A-T. GRCh37 (hg19) VCF-style: chr6-112460480-A-T.
Other names: c.3103T>A, p.Phe1035Ile (NM_001105207.3, NM_002290.5); short protein forms F1035I, F1042I.
Identifiers: ClinVar variation 1727668 (VCV001727668.2), dbSNP rs2547019764, ClinGen allele CA365379143.